The following is an entry in ClinVar:

NC_000017.10:g.(?_5442805)_(5470304_?)del

Gene: NLRP1 (NLR family pyrin domain containing 1; minus strand). Cytogenetic location: 17p13.2.
Variant type: Deletion.
Identifiers: ClinVar variation 3243212 (VCV003243212.1).

ClinVar aggregate classification (germline): Uncertain significance (1 of 4 stars; one submission).

Submission:

Labcorp Genetics (formerly Invitae), Labcorp
Classification: Uncertain significance. Last evaluated: 2023-06-20. Review status: criteria provided, single submitter. Criteria: Invitae Variant Classification Sherloc (09022015). Collection method: clinical testing. Allele origin: unknown.
Comment: In summary, the available evidence is currently insufficient to determine the role of this variant in disease. Therefore, it has been classified as a Variant of Uncertain Significance. This variant has not been reported in the literature in individuals affected with NLRP1-related conditions. This variant results in the deletion of exons 4-6 and part of exon 7 (c.653-6941_2800del) of the NLRP1 gene. It is expected to disrupt RNA splicing. Variants that disrupt the donor or acceptor splice site typically lead to a loss of protein function (PMID: 16199547), however the current clinical and genetic evidence is not sufficient to establish whether loss-of-function variants in NLRP1 cause disease.

Literature cited by the submitters: PubMed 16199547.